The following is an entry in ClinVar:

ClinVar aggregate classification (germline): Pathogenic/Likely pathogenic. Review status: criteria provided, multiple submitters, no conflicts (2 of 4 stars). 2 submissions from 2 submitters: Pathogenic (1); Likely pathogenic (1). Last evaluated 2025-06-05.

Submissions (2):

Mayo Clinic Laboratories, Mayo Clinic
Classification: Likely pathogenic. Last evaluated: 2025-06-05. Review status: criteria provided, single submitter. Criteria: ACMG Guidelines, 2015. Collection method: clinical testing. Allele origin: germline. Observed: 1 variant allele.
Comment: PM2_supporting, PVS1

Athena Diagnostics
Classification: Pathogenic. Last evaluated: 2019-03-30. Review status: criteria provided, single submitter. Criteria: Athena Diagnostics Criteria. Collection method: clinical testing. Allele origin: germline.
Comment: The variant disrupts a canonical splice site, and is therefore predicted to result in the loss of a functional protein. Found in at least one symptomatic patient, and not found in general population data.

NM_000388.4(CASR):c.1732+1G>T

Gene: CASR (calcium sensing receptor; plus strand). Cytogenetic location: 3q21.1.
Variant type: single nucleotide variant.
Coding change: c.1732+1G>T on transcript NM_000388.4 (MANE Select); the canonical splice donor site of the intron after coding-DNA position 1732, G replaced by T.
Molecular consequence: splice donor variant.
Genome position (GRCh38, 1-based): chr3:122,282,237, G>T. VCF-style: chr3-122282237-G-T. GRCh37 (hg19) VCF-style: chr3-122001084-G-T.
Other names: c.1762+1G>T (NM_001178065.2).
Identifiers: ClinVar variation 804660 (VCV000804660.2), dbSNP rs1576875919, ClinGen allele CA354156387.